The following is an entry in ClinVar:

ClinVar aggregate classification (germline): Uncertain significance (1 of 4 stars; one submission).

Conditions:
Myopathy, centronuclear, 2 (CNM2). Also called: MYOTUBULAR MYOPATHY, AUTOSOMAL RECESSIVE. Identifiers: Orphanet 169186, MedGen CN031787, MONDO:0009709, OMIM 255200.

Allele frequency attached by ClinVar (database versions not stated): gnomAD exomes below 0.00001; TOPMed below 0.00001; gnomAD 0.00001.
gnomAD v4.1: 2 of 1,612,916 alleles (0.00012%); highest among the groups gnomAD compares: East Asian, 0.0022%; no homozygotes.

Submission:

Labcorp Genetics (formerly Invitae), Labcorp
Classification: Uncertain significance for Myopathy, centronuclear, 2. Last evaluated: 2020-11-05. Review status: criteria provided, single submitter. Criteria: Invitae Variant Classification Sherloc (09022015). Collection method: clinical testing. Allele origin: germline.
Comment: This variant has not been reported in the literature in individuals with BIN1-related conditions. This sequence change replaces methionine with threonine at codon 564 of the BIN1 protein (p.Met564Thr). The methionine residue is highly conserved and there is a moderate physicochemical difference between methionine and threonine. This variant is not present in population databases (ExAC no frequency). Algorithms developed to predict the effect of missense changes on protein structure and function are either unavailable or do not agree on the potential impact of this missense change (SIFT: "Deleterious"; PolyPhen-2: "Probably Damaging"; Align-GVGD: "Class C0"). In summary, the available evidence is currently insufficient to determine the role of this variant in disease. Therefore, it has been classified as a Variant of Uncertain Significance.

NM_139343.3(BIN1):c.1691T>C (p.Met564Thr)

Gene: BIN1 (bridging integrator 1; minus strand). Cytogenetic location: 2q14.3.
Variant type: single nucleotide variant.
Coding change: c.1691T>C on transcript NM_139343.3 (MANE Select); coding-DNA position 1691, T replaced by C.
Protein change: p.Met564Thr; replaces methionine 564 with threonine.
Molecular consequence: missense variant.
Genome position (GRCh38, 1-based): chr2:127,048,617, A>G on the plus strand (T>C on the coding strand, the complement: BIN1 is on the minus strand). VCF-style: chr2-127048617-A-G. GRCh37 (hg19) VCF-style: chr2-127806193-A-G.
Other names: c.1184T>C, p.Met395Thr (NM_001320632.2); c.1322T>C, p.Met441Thr (NM_001320633.2); c.1067T>C, p.Met356Thr (NM_001320634.1); c.1451T>C, p.Met484Thr (NM_001320640.2); c.1598T>C, p.Met533Thr (NM_001320641.2); c.1610T>C, p.Met537Thr (NM_001320642.1); c.1274T>C, p.Met425Thr (NM_004305.4); c.1562T>C, p.Met521Thr (NM_139344.3); and 7 more; short protein forms M425T, M453T, M468T, M477T, M484T, M489T, M533T, M395T.
Identifiers: ClinVar variation 1383939 (VCV001383939.8), dbSNP rs1682474004, ClinGen allele CA348373698.
Genomic context (GRCh38, chr2:127,048,617, plus strand): 5'-AAGACGCCACGGCACTTCTCCAGCTCCTTGTGCTGGTTCCAGTCGCTCTCCTTCACGCCC[A>G]TGAGCCAGCCTTCATCCTGAGGGGCAGAGCACCAGGTCGCACAGGGATGAGCAAGGGGCT-3'
Protein context (NP_647593.1, residues 554-574): NPEEQDEGWL[Met564Thr]GVKESDWNQH